The following is an entry in ClinVar:

NM_001458.5(FLNC):c.157G>T (p.Val53Leu)

Gene: FLNC (filamin C; plus strand). Cytogenetic location: 7q32.1.
Variant type: single nucleotide variant.
Coding change: c.157G>T on transcript NM_001458.5 (MANE Select); coding-DNA position 157, G replaced by T.
Protein change: p.Val53Leu; replaces valine 53 with leucine.
Molecular consequence: missense variant.
Genome position (GRCh38, 1-based): chr7:128,830,794, G>T. VCF-style: chr7-128830794-G-T. GRCh37 (hg19) VCF-style: chr7-128470848-G-T.
Other names: c.157G>T, p.Val53Leu (NM_001127487.2); short protein forms V53L.
Identifiers: ClinVar variation 2943184 (VCV002943184.3), dbSNP rs1452307781, ClinGen allele CA369216122.

ClinVar aggregate classification (germline): Uncertain significance (1 of 4 stars; one submission).

Conditions:
Hypertrophic cardiomyopathy 26. Also called: Cardiomyopathy, familial hypertrophic, 26. Identifiers: Orphanet 75249, MedGen C4310749, MONDO:0014883, OMIM 617047.
Myofibrillar myopathy 5. Also called: Filaminopathy (type); FILAMINOPATHY, AUTOSOMAL DOMINANT. Identifiers: Orphanet 171445, MedGen C1836050, MONDO:0012289, OMIM 609524.
Distal myopathy with posterior leg and anterior hand involvement. Also called: WILLIAMS DISTAL MYOPATHY. Identifiers: Orphanet 63273, MedGen C3279722, MONDO:0013550, OMIM 614065.

Allele frequency attached by ClinVar (database versions not stated): gnomAD exomes below 0.00001; TOPMed below 0.00001; gnomAD 0.00001.
gnomAD v4.1: 2 of 1,613,018 alleles (0.00012%); highest among the groups gnomAD compares: Admixed American, 0.0017%; no homozygotes.

Submission:

Labcorp Genetics (formerly Invitae), Labcorp
Classification: Uncertain significance for Distal myopathy with posterior leg and anterior hand involvement; Myofibrillar myopathy 5; Hypertrophic cardiomyopathy 26. Last evaluated: 2025-12-03. Review status: criteria provided, single submitter. Criteria: Invitae Variant Classification Sherloc (09022015). Collection method: clinical testing. Allele origin: germline.
Comment: This sequence change replaces valine, which is neutral and non-polar, with leucine, which is neutral and non-polar, at codon 53 of the FLNC protein (p.Val53Leu). This variant is present in population databases (no rsID available, gnomAD no frequency). This variant has not been reported in the literature in individuals affected with FLNC-related conditions. ClinVar contains an entry for this variant (Variation ID: 2943184). Invitae Evidence Modeling of protein sequence and biophysical properties (such as structural, functional, and spatial information, amino acid conservation, physicochemical variation, residue mobility, and thermodynamic stability) has been performed for this missense variant. However, the output from this modeling did not meet the statistical confidence thresholds required to predict the impact of this variant on FLNC protein function. In summary, the available evidence is currently insufficient to determine the role of this variant in disease. Therefore, it has been classified as a Variant of Uncertain Significance.